The following is an entry in ClinVar:

NM_024721.5(ZFHX4):c.10162G>T (p.Ala3388Ser)

Gene: ZFHX4 (zinc finger homeobox 4; plus strand). Cytogenetic location: 8q21.13.
Variant type: single nucleotide variant.
Coding change: c.10162G>T on transcript NM_024721.5 (MANE Select); coding-DNA position 10162, G replaced by T.
Protein change: p.Ala3388Ser; replaces alanine 3388 with serine.
Molecular consequence: missense variant.
Genome position (GRCh38, 1-based): chr8:76,863,876, G>T. VCF-style: chr8-76863876-G-T. GRCh37 (hg19) VCF-style: chr8-77776112-G-T.
Other names: c.10084G>T, p.Ala3362Ser (NM_001410934.1); short protein forms A3362S, A3388S.
Identifiers: ClinVar variation 3041672 (VCV003041672.16), dbSNP rs562547549, ClinGen allele CA4788497.

ClinVar aggregate classification (germline): Likely benign. Review status: criteria provided, multiple submitters, no conflicts (2 of 4 stars). 3 submissions from 3 submitters: Likely benign (2). 1 of the submissions does not count toward it. Last evaluated 2025-10-29.

Conditions:
ZFHX4-related disorder. Also called: ZFHX4-related condition.

Allele frequency attached by ClinVar (database versions not stated): TOPMed 0.00011; 1000 Genomes Project 30x 0.00016; gnomAD 0.00017; 1000 Genomes Project 0.00020; gnomAD exomes 0.00026; ExAC 0.00131.
gnomAD v4.1: 410 of 1,563,030 alleles (0.026%); highest among the groups gnomAD compares: South Asian, 0.33%; 3 homozygotes.

Submissions (3):

Ambry Genetics
Classification: Likely benign. Last evaluated: 2025-10-29. Review status: criteria provided, single submitter. Criteria: Ambry Variant Classification Scheme 2023. Collection method: clinical testing. Allele origin: germline.

CeGaT Center for Human Genetics Tuebingen
Classification: Likely benign. Last evaluated: 2024-10-01. Review status: criteria provided, single submitter. Criteria: CeGaT Center For Human Genetics Tuebingen Variant Classification Criteria Version 2. Collection method: clinical testing. Allele origin: germline. Affected: yes. Observed: 1 variant allele.
Comment: ZFHX4: BP4, BS1

PreventionGenetics, part of Exact Sciences
Classification: Likely benign for ZFHX4-related condition. Last evaluated: 2019-05-08. Review status: no assertion criteria provided. Collection method: clinical testing. Allele origin: germline. Not counted in ClinVar's aggregate classification.
Comment: This variant is classified as likely benign based on ACMG/AMP sequence variant interpretation guidelines (Richards et al. 2015 PMID: 25741868, with internal and published modifications).